The following is an entry in ClinVar:

ClinVar aggregate classification (germline): Conflicting classifications of pathogenicity. Review status: criteria provided, conflicting classifications (1 of 4 stars). 6 submissions from 6 submitters: Uncertain significance (2); Likely benign (3). 1 of the submissions does not count toward it. Last evaluated 2026-01-26.

Conditions:
Bartter syndrome. Identifiers: Orphanet 112, MedGen C0004775, MONDO:0015231.
Bartter disease type 4A. Also called: BARTTER SYNDROME, TYPE 4A, NEONATAL, WITH SENSORINEURAL DEAFNESS; BARTTER SYNDROME, NEONATAL, WITH SENSORINEURAL DEAFNESS. Identifiers: Orphanet 112, MedGen C1865270, MONDO:0011242, OMIM 602522.

Allele frequency attached by ClinVar (database versions not stated): gnomAD 0.00006 and 0.00011; gnomAD exomes 0.00011 and 0.00025; TOPMed 0.00020; ExAC 0.00030; 1000 Genomes Project 30x 0.00078; 1000 Genomes Project 0.00100.

Submissions (6):

Labcorp Genetics (formerly Invitae), Labcorp
Classification: Likely benign. Last evaluated: 2026-01-26. Review status: criteria provided, single submitter. Criteria: Invitae Variant Classification Sherloc (09022015). Collection method: clinical testing. Allele origin: germline.

Blueprint Genetics
Classification: Likely benign. Last evaluated: 2024-10-07. Review status: criteria provided, single submitter. Criteria: ACMG Guidelines, 2015. Collection method: clinical testing. Allele origin: germline.

GeneDx
Classification: Likely benign. Last evaluated: 2018-06-06. Review status: criteria provided, single submitter. Criteria: GeneDx Variant Classification (06012015). Collection method: clinical testing. Allele origin: germline. Affected: yes.
Comment: This variant is considered likely benign or benign based on one or more of the following criteria: it is a conservative change, it occurs at a poorly conserved position in the protein, it is predicted to be benign by multiple in silico algorithms, and/or has population frequency not consistent with disease.

Soonchunhyang University Bucheon Hospital, Soonchunhyang University Medical Center
Classification: Uncertain significance for Bartter disease type 4A. Last evaluated: 2016-03-18. Review status: criteria provided, single submitter. Criteria: ACMG Guidelines, 2015. Collection method: reference population. Allele origin: germline. Observed: 1 variant allele.

Juno Genomics, Hangzhou Juno Genomics, Inc
Classification: Uncertain significance for Bartter disease type 4A. Review status: criteria provided, single submitter. Criteria: ACMG Guidelines, 2015. Collection method: clinical testing. Allele origin: germline.
Comment: Absent from controls (or at extremely low frequency if recessive) in Genome Aggregation Database.;Multiple lines of computational evidence support a deleterious effect on the gene or gene product.

Natera, Inc.
Classification: Likely benign for Bartter syndrome. Last evaluated: 2020-09-16. Review status: no assertion criteria provided. Collection method: clinical testing. Allele origin: germline. Not counted in ClinVar's aggregate classification.

Literature cited by the submitters: PubMed 23967202 (cited by Soonchunhyang University Bucheon Hospital, Soonchunhyang University Medical Center).

NM_057176.3(BSND):c.893G>A (p.Gly298Glu)

Gene: BSND (barttin CLCNK type accessory subunit beta; plus strand). Cytogenetic location: 1p32.3.
Variant type: single nucleotide variant.
Coding change: c.893G>A on transcript NM_057176.3 (MANE Select); coding-DNA position 893, G replaced by A.
Protein change: p.Gly298Glu; replaces glycine 298 with glutamic acid.
Molecular consequence: missense variant.
Genome position (GRCh38, 1-based): chr1:55,008,558, G>A. VCF-style: chr1-55008558-G-A. GRCh37 (hg19) VCF-style: chr1-55474231-G-A.
Other names: short protein forms G298E.
Identifiers: ClinVar variation 225307 (VCV000225307.17), dbSNP rs180858237, ClinGen allele CA871440.
Genomic context (GRCh38, chr1:55,008,558, plus strand): 5'-AGGAGGCTTCGGACACAGGTGGGGAGGAACCTGAGAAGGAAGAGGAAGACCTGTACTATG[G>A]GCTGCCAGATGGAGCCGGGGACCTCCTCCCGGACAAGGAGCTGGGTTTTGAGCCTGACAC-3'
Protein context (NP_476517.1, residues 288-308): PEKEEEDLYY[Gly298Glu]LPDGAGDLLP